The following is an entry in ClinVar:

ClinVar aggregate classification (germline): Uncertain significance. Review status: criteria provided, multiple submitters, no conflicts (2 of 4 stars). 2 submissions from 2 submitters: Uncertain significance (2). Last evaluated 2025-01-21.

Conditions:
Hereditary cancer-predisposing syndrome. Also called: Neoplastic Syndromes, Hereditary; Tumor predisposition; Hereditary neoplastic syndrome; Hereditary Cancer Syndrome. Identifiers: Orphanet 140162, MedGen C0027672, MeSH D009386, MONDO:0015356.

Submissions (2):

Ambry Genetics
Classification: Uncertain significance for Hereditary cancer-predisposing syndrome. Last evaluated: 2025-01-21. Review status: criteria provided, single submitter. Criteria: Ambry Variant Classification Scheme 2023. Collection method: clinical testing. Allele origin: germline.
Comment: The p.A24E variant (also known as c.71C>A), located in coding exon 1 of the CTNNA1 gene, results from a C to A substitution at nucleotide position 71. The alanine at codon 24 is replaced by glutamic acid, an amino acid with dissimilar properties. This amino acid position is highly conserved in available vertebrate species. In addition, the in silico prediction for this alteration is inconclusive. The evidence for this gene-disease relationship is limited; therefore, the clinical significance of this alteration is unclear.

Labcorp Genetics (formerly Invitae), Labcorp
Classification: Uncertain significance. Last evaluated: 2019-12-01. Review status: criteria provided, single submitter. Criteria: Invitae Variant Classification Sherloc (09022015). Collection method: clinical testing. Allele origin: germline.
Comment: In summary, the available evidence is currently insufficient to determine the role of this variant in disease. Therefore, it has been classified as a Variant of Uncertain Significance. Algorithms developed to predict the effect of missense changes on protein structure and function are either unavailable or do not agree on the potential impact of this missense change (SIFT: "Deleterious"; PolyPhen-2: "Benign"; Align-GVGD: "Class C0"). This variant has not been reported in the literature in individuals with CTNNA1-related conditions. This variant is not present in population databases (ExAC no frequency). This sequence change replaces alanine with glutamic acid at codon 24 of the CTNNA1 protein (p.Ala24Glu). The alanine residue is highly conserved and there is a moderate physicochemical difference between alanine and glutamic acid.

NM_001903.5(CTNNA1):c.71C>A (p.Ala24Glu)

Gene: CTNNA1 (catenin alpha 1; plus strand). Cytogenetic location: 5q31.2.
Variant type: single nucleotide variant.
Coding change: c.71C>A on transcript NM_001903.5 (MANE Select); coding-DNA position 71, C replaced by A.
Protein change: p.Ala24Glu; replaces alanine 24 with glutamic acid.
Molecular consequence: missense variant. On other transcripts: 5 prime UTR variant (2).
Genome position (GRCh38, 1-based): chr5:138,781,995, C>A. VCF-style: chr5-138781995-C-A. GRCh37 (hg19) VCF-style: chr5-138117684-C-A.
Other names: c.71C>A, p.Ala24Glu (NM_001290307.3, NM_001323982.2, NM_001323983.1 and 3 more transcripts); c.-43C>A (NM_001290309.3); c.-136C>A (NM_001290310.3); short protein forms A24E.
Identifiers: ClinVar variation 837867 (VCV000837867.13), dbSNP rs1755163589, ClinGen allele CA361477173.